The following is an entry in ClinVar:

NM_000179.3(MSH6):c.2115T>C (p.Asn705=)

Gene: MSH6 (mutS homolog 6; plus strand). Cytogenetic location: 2p16.3.
Variant type: single nucleotide variant.
Coding change: c.2115T>C on transcript NM_000179.3 (MANE Select); coding-DNA position 2115, T replaced by C.
Protein change: p.Asn705=; no amino-acid change (asparagine 705 retained).
Molecular consequence: synonymous variant. On other transcripts: non-coding transcript variant (5), intron variant (2).
Genome position (GRCh38, 1-based): chr2:47,800,098, T>C. VCF-style: chr2-47800098-T-C. GRCh37 (hg19) VCF-style: chr2-48027237-T-C.
Other names: c.1725T>C, p.Asn575= (NM_001281492.2); c.1209T>C, p.Asn403= (NM_001281493.2, NM_001281494.2, NM_001406811.1 and 6 more transcripts); c.2211T>C, p.Asn737= (NM_001406795.1, NM_001406802.1); c.2115T>C, p.Asn705= (NM_001406796.1, NM_001406798.1, NM_001406800.1 and 3 more transcripts); c.1818T>C, p.Asn606= (NM_001406797.1, NM_001406801.1, NM_001406805.1 and 10 more transcripts); c.1590T>C, p.Asn530= (NM_001406799.1, NM_001406806.1, NM_001406807.1); c.2037T>C, p.Asn679= (NM_001406804.1); c.2121T>C, p.Asn707= (NM_001406813.1); and 3 more.
Identifiers: ClinVar variation 3903661 (VCV003903661.1).
Genomic context (GRCh38, chr2:47,800,098, plus strand): 5'-TGGTTGTGTCTTCTACCTCAAAAAATGCCTTATTGATCAGGAGCTTTTATCAATGGCTAA[T>C]TTTGAAGAATATATTCCCTTGGATTCTGACACAGTCAGCACTACAAGATCTGGTGCTATC-3'
Protein context (NP_000170.1, residues 695-715): LIDQELLSMA[Asn705=]FEEYIPLDSD

ClinVar aggregate classification (germline): Benign (1 of 4 stars; one submission).

Conditions:
Lynch syndrome 5 (LYNCH5). Also called: Colorectal cancer, hereditary nonpolyposis, type 5; Hereditary non-polyposis colorectal cancer, type 5. Identifiers: Orphanet 144, MedGen C1833477, MONDO:0013710, OMIM 614350. Disease mechanism: loss of function.

Submission:

Myriad Genetics, Inc.
Classification: Benign for Lynch syndrome 5. Last evaluated: 2024-12-30. Review status: criteria provided, single submitter. Criteria: Myriad Autosomal Dominant, Autosomal Recessive and X-Linked Classification Criteria (2023). Collection method: clinical testing. Allele origin: unknown.
Comment: This variant is considered benign. This variant is a silent/synonymous amino acid change and it is not expected to impact splicing.